The following is an entry in ClinVar:

NM_173630.4(RTTN):c.2581+1G>A

Gene: RTTN (rotatin; minus strand). Cytogenetic location: 18q22.2.
Variant type: single nucleotide variant.
Coding change: c.2581+1G>A on transcript NM_173630.4 (MANE Select); the canonical splice donor site of the intron after coding-DNA position 2581, G replaced by A.
Molecular consequence: splice donor variant.
Genome position (GRCh38, 1-based): chr18:70,142,287, C>T on the plus strand (G>A on the coding strand, the complement: RTTN is on the minus strand). VCF-style: chr18-70142287-C-T. GRCh37 (hg19) VCF-style: chr18-67809523-C-T.
Other names: c.-67+1G>A (NM_001318520.2).
Identifiers: ClinVar variation 2724985 (VCV002724985.3), dbSNP rs2512623267, ClinGen allele CA402692174.

ClinVar aggregate classification (germline): Likely pathogenic (1 of 4 stars; one submission).

Allele frequency attached by ClinVar (database versions not stated): gnomAD exomes below 0.00001.
gnomAD v4.1: 2 of 1,567,968 alleles (0.00013%); highest among the groups gnomAD compares: Non-Finnish European, 0.000088%; no homozygotes.

Submission:

Labcorp Genetics (formerly Invitae), Labcorp
Classification: Likely pathogenic. Last evaluated: 2023-06-23. Review status: criteria provided, single submitter. Criteria: Invitae Variant Classification Sherloc (09022015). Collection method: clinical testing. Allele origin: germline.
Comment: In summary, the currently available evidence indicates that the variant is pathogenic, but additional data are needed to prove that conclusively. Therefore, this variant has been classified as Likely Pathogenic. Algorithms developed to predict the effect of sequence changes on RNA splicing suggest that this variant may disrupt the consensus splice site. This variant has not been reported in the literature in individuals affected with RTTN-related conditions. This variant is not present in population databases (gnomAD no frequency). This sequence change affects a donor splice site in intron 19 of the RTTN gene. It is expected to disrupt RNA splicing. Variants that disrupt the donor or acceptor splice site typically lead to a loss of protein function (PMID: 16199547), and loss-of-function variants in RTTN are known to be pathogenic (PMID: 26608784, 26846091).

Literature cited by the submitters: PubMed 16199547; PubMed 26608784; PubMed 26846091.